The following is an entry in ClinVar:

NM_004539.4(NARS1):c.281A>G (p.Asn94Ser)

Gene: NARS1 (asparaginyl-tRNA synthetase 1; minus strand). Cytogenetic location: 18q21.31.
Variant type: single nucleotide variant.
Coding change: c.281A>G on transcript NM_004539.4 (MANE Select); coding-DNA position 281, A replaced by G.
Protein change: p.Asn94Ser; replaces asparagine 94 with serine.
Molecular consequence: missense variant.
Genome position (GRCh38, 1-based): chr18:57,615,702, T>C on the plus strand (A>G on the coding strand, the complement: NARS1 is on the minus strand). VCF-style: chr18-57615702-T-C. GRCh37 (hg19) VCF-style: chr18-55282934-T-C.
Other names: short protein forms N94S.
Identifiers: ClinVar variation 3898483 (VCV003898483.7).

ClinVar aggregate classification (germline): Uncertain significance (1 of 4 stars; one submission).

Submission:

CeGaT Center for Human Genetics Tuebingen
Classification: Uncertain significance. Last evaluated: 2025-04-01. Review status: criteria provided, single submitter. Criteria: CeGaT Center For Human Genetics Tuebingen Variant Classification Criteria Version 2. Collection method: clinical testing. Allele origin: germline. Affected: yes. Observed: 1 variant allele.
Comment: NARS1: PM2